The following is an entry in ClinVar:

ClinVar aggregate classification (germline): Benign (0 of 4 stars; one submission).

Conditions:
CPZ-related disorder. Also called: CPZ-related condition.

Allele frequency attached by ClinVar (database versions not stated): 1000 Genomes Project 30x 0.00968; ESP Exome Variant Server 0.00978; 1000 Genomes Project 0.01018.
gnomAD v4.1: 21,157 of 1,483,992 alleles (1.4%); highest among the groups gnomAD compares: South Asian, 4.7%; 236 homozygotes.

Submission:

PreventionGenetics, part of Exact Sciences
Classification: Benign for CPZ-related condition. Last evaluated: 2019-11-01. Review status: no assertion criteria provided. Collection method: clinical testing. Allele origin: germline.
Comment: This variant is classified as benign based on ACMG/AMP sequence variant interpretation guidelines (Richards et al. 2015 PMID: 25741868, with internal and published modifications).

NM_001014447.3(CPZ):c.*4C>T

Gene: CPZ (carboxypeptidase Z; plus strand). Cytogenetic location: 4p16.1.
Variant type: single nucleotide variant.
Coding change: c.*4C>T on transcript NM_001014447.3 (MANE Select); 4 bases downstream of the stop codon, C replaced by T.
Molecular consequence: 3 prime UTR variant.
Genome position (GRCh38, 1-based): chr4:8,619,621, C>T. VCF-style: chr4-8619621-C-T. GRCh37 (hg19) VCF-style: chr4-8621348-C-T.
Other names: c.*4C>T (NM_001014448.3, NM_003652.4).
Identifiers: ClinVar variation 3055246 (VCV003055246.2), dbSNP rs13101888, ClinGen allele CA2854200.